The following is an entry in ClinVar:

NM_000868.4(HTR2C):c.150C>T (p.Asp50=)

Gene: HTR2C (5-hydroxytryptamine receptor 2C; plus strand). Cytogenetic location: Xq23.
Variant type: single nucleotide variant.
Coding change: c.150C>T on transcript NM_000868.4 (MANE Select); coding-DNA position 150, C replaced by T.
Protein change: p.Asp50=; no amino-acid change (aspartic acid 50 retained).
Molecular consequence: synonymous variant.
Genome position (GRCh38, 1-based): chrX:114,731,408, C>T. VCF-style: chrX-114731408-C-T. GRCh37 (hg19) VCF-style: chrX-113965817-C-T.
Other names: c.150C>T, p.Asp50= (NM_001256760.3, NM_001256761.3).
Identifiers: ClinVar variation 4981251 (VCV004981251.1).

ClinVar aggregate classification (germline): Likely benign (1 of 4 stars; one submission).

Conditions:
HTR2C-related disorder. Also called: HTR2C-related condition.

gnomAD v4.1: 62 of 1,206,570 alleles (0.0051%); highest among the groups gnomAD compares: Non-Finnish European, 0.0067%; no homozygotes.

Submission:

PreventionGenetics, part of Exact Sciences
Classification: Likely benign for HTR2C-related condition. Last evaluated: 2024-11-10. Review status: criteria provided, single submitter. Criteria: ACMG Guidelines, 2015. Collection method: clinical testing. Allele origin: germline.
Comment: This variant is classified as likely benign based on ACMG/AMP sequence variant interpretation guidelines (Richards et al. 2015 PMID: 25741868, with internal and published modifications).